The following is an entry in ClinVar:

ClinVar aggregate classification (germline): Uncertain significance. Review status: criteria provided, multiple submitters, no conflicts (2 of 4 stars). 2 submissions from 2 submitters: Uncertain significance (2). Last evaluated 2025-06-02.

Conditions:
Hereditary cancer-predisposing syndrome. Also called: Neoplastic Syndromes, Hereditary; Hereditary Cancer Syndrome; Tumor predisposition; Hereditary neoplastic syndrome. Identifiers: Orphanet 140162, MedGen C0027672, MeSH D009386, MONDO:0015356.
Pheochromocytoma. Also called: MAX-Related Hereditary Paraganglioma-Pheochromocytoma Syndrome. Identifiers: Orphanet 29072, MedGen C0031511, MONDO:0008233, OMIM 171300, HP:0002666.
Paragangliomas with sensorineural hearing loss. Identifiers: MedGen C1868633.
Carney-Stratakis syndrome. Also called: PARAGANGLIOMA AND GASTROINTESTINAL STROMAL TUMOR. Identifiers: Orphanet 97286, MedGen C1847319, MONDO:0011740, OMIM 606864.
Cowden syndrome 3 (CWS3). Identifiers: Orphanet 201, MedGen CN166604, MONDO:0014045.

gnomAD v4.1: 1 of 1,614,160 alleles (0.000062%); highest among the groups gnomAD compares: Non-Finnish European, 0.000085%; no homozygotes.

Submissions (2):

Labcorp Genetics (formerly Invitae), Labcorp
Classification: Uncertain significance for Carney-Stratakis syndrome; Paragangliomas with sensorineural hearing loss; Pheochromocytoma; Cowden syndrome 3. Last evaluated: 2025-06-02. Review status: criteria provided, single submitter. Criteria: Invitae Variant Classification Sherloc (09022015). Collection method: clinical testing. Allele origin: germline.
Comment: This sequence change falls in intron 1 of the SDHD gene. It does not directly change the encoded amino acid sequence of the SDHD protein. It affects a nucleotide within the consensus splice site. This variant is not present in population databases (gnomAD no frequency). This variant has not been reported in the literature in individuals affected with SDHD-related conditions. ClinVar contains an entry for this variant (Variation ID: 971241). Variants that disrupt the consensus splice site are a relatively common cause of aberrant splicing (PMID: 17576681, 9536098). Algorithms developed to predict the effect of sequence changes on RNA splicing suggest that this variant may disrupt the consensus splice site. In summary, the available evidence is currently insufficient to determine the role of this variant in disease. Therefore, it has been classified as a Variant of Uncertain Significance.

Ambry Genetics
Classification: Uncertain significance for Hereditary cancer-predisposing syndrome. Last evaluated: 2023-04-11. Review status: criteria provided, single submitter. Criteria: Ambry Variant Classification Scheme 2023. Collection method: clinical testing. Allele origin: germline.
Comment: The c.52+5G>A intronic variant results from a G to A substitution 5 nucleotides after coding exon 1 in the SDHD gene. This nucleotide position is highly conserved in available vertebrate species. In silico splice site analysis predicts that this alteration may result in the creation or strengthening of a novel splice donor site; however, direct evidence is insufficient at this time (Ambry internal data). Since supporting evidence is limited at this time, the clinical significance of this alteration remains unclear.

Literature cited by the submitters: PubMed 17576681 (cited by Labcorp Genetics (formerly Invitae), Labcorp); PubMed 9536098 (cited by Labcorp Genetics (formerly Invitae), Labcorp).

NM_003002.4(SDHD):c.52+5G>A

Genes: SDHD (succinate dehydrogenase complex subunit D; plus strand), LOC126861339 (BRD4-independent group 4 enhancer GRCh37_chr11:111957035-111958234; plus strand). Cytogenetic location: 11q23.1.
Variant type: single nucleotide variant.
Coding change: c.52+5G>A on transcript NM_003002.4 (MANE Select); 5 bases into the intron after coding-DNA position 52, G replaced by A.
Molecular consequence: intron variant.
Genome position (GRCh38, 1-based): chr11:112,086,964, G>A. VCF-style: chr11-112086964-G-A. GRCh37 (hg19) VCF-style: chr11-111957688-G-A.
Other names: c.52+5G>A (NM_001276506.2, NM_001276503.2, NM_001276504.2).
Identifiers: ClinVar variation 971241 (VCV000971241.12), dbSNP rs1592777393, ClinGen allele CA1139662325.
Genomic context (GRCh38, chr11:112,086,964, plus strand): 5'-CGAGATGGCGGTTCTCTGGAGGCTGAGTGCCGTTTGCGGTGCCCTAGGAGGCCGAGGTGA[G>A]GGGTCTTCCCACCCTGAGGTGCTTAGCGTAGCCTCCAGCCAGGGAAGGGGATGGAAGTGA-3'